The following is an entry in ClinVar:

ClinVar aggregate classification (germline): Pathogenic (1 of 4 stars; one submission).

Conditions:
Salla disease (SD). Also called: Sialuria, Finnish type; N-acetylneuraminic acid (NANA) storage disease (NSD); Infantile sialic acid storage disorder (ISSD); Less Severe FSASD (Salla Disease). Identifiers: Orphanet 309334, Orphanet 834, MedGen C1096903, MONDO:0011449, OMIM 604369.

Submission:

Labcorp Genetics (formerly Invitae), Labcorp
Classification: Pathogenic for Salla disease. Last evaluated: 2023-04-10. Review status: criteria provided, single submitter. Criteria: Invitae Variant Classification Sherloc (09022015). Collection method: clinical testing. Allele origin: unknown.
Comment: For these reasons, this variant has been classified as Pathogenic. This variant has not been reported in the literature in individuals affected with SLC17A5-related conditions. This variant is a gross deletion of the genomic region encompassing exon(s) 1-2 of the SLC17A5 gene, which includes the initiator codon. This deletion extends beyond the assayed region for this gene and therefore may encompass additional genes. It is expected to result in an absent or disrupted protein product. Loss-of-function variants in SLC17A5 are known to be pathogenic (PMID: 10581036, 10947946, 15172001).

Literature cited by the submitters: PubMed 10581036; PubMed 10947946; PubMed 15172001.

NC_000006.11:g.(?_74354110)_(74363609_?)del

Gene: SLC17A5 (solute carrier family 17 member 5; minus strand). Cytogenetic location: 6q13.
Variant type: Deletion.
Identifiers: ClinVar variation 3245983 (VCV003245983.1).